The following is an entry in ClinVar:

ClinVar aggregate classification (germline): Uncertain significance. Review status: criteria provided, multiple submitters, no conflicts (2 of 4 stars). 2 submissions from 2 submitters: Uncertain significance (2). Last evaluated 2025-02-10.

Conditions:
Inborn genetic diseases. Identifiers: MedGen C0950123, MeSH D030342.

Allele frequency attached by ClinVar (database versions not stated): gnomAD exomes 0.00001; ExAC 0.00002; TOPMed 0.00002; gnomAD 0.00004; 1000 Genomes Project 0.00020; 1000 Genomes Project 30x 0.00031.
gnomAD v4.1: 26 of 1,613,756 alleles (0.0016%); highest among the groups gnomAD compares: Admixed American, 0.005%; no homozygotes.

Submissions (2):

Ambry Genetics
Classification: Uncertain significance for Inborn genetic diseases. Last evaluated: 2025-02-10. Review status: criteria provided, single submitter. Criteria: Ambry Variant Classification Scheme 2023. Collection method: clinical testing. Allele origin: germline.

Labcorp Genetics (formerly Invitae), Labcorp
Classification: Uncertain significance. Last evaluated: 2021-06-29. Review status: criteria provided, single submitter. Criteria: Invitae Variant Classification Sherloc (09022015). Collection method: clinical testing. Allele origin: germline.
Comment: This variant has not been reported in the literature in individuals affected with C7-related conditions. This variant is present in population databases (rs531427544, ExAC 0.009%). This sequence change replaces glutamic acid with aspartic acid at codon 469 of the C7 protein (p.Glu469Asp). The glutamic acid residue is weakly conserved and there is a small physicochemical difference between glutamic acid and aspartic acid. In summary, the available evidence is currently insufficient to determine the role of this variant in disease. Therefore, it has been classified as a Variant of Uncertain Significance. Algorithms developed to predict the effect of missense changes on protein structure and function (SIFT, PolyPhen-2, Align-GVGD) all suggest that this variant is likely to be tolerated.

NM_000587.4(C7):c.1407G>C (p.Glu469Asp)

Gene: C7 (complement C7; plus strand). Cytogenetic location: 5p13.1.
Variant type: single nucleotide variant.
Coding change: c.1407G>C on transcript NM_000587.4 (MANE Select); coding-DNA position 1407, G replaced by C.
Protein change: p.Glu469Asp; replaces glutamic acid 469 with aspartic acid.
Molecular consequence: missense variant.
Genome position (GRCh38, 1-based): chr5:40,958,179, G>C. VCF-style: chr5-40958179-G-C. GRCh37 (hg19) VCF-style: chr5-40958281-G-C.
Other names: c.1407G>C (NM_000587.2); short protein forms E469D.
Identifiers: ClinVar variation 1502457 (VCV001502457.9), dbSNP rs531427544, ClinGen allele CA3249954.